The following is an entry in ClinVar:

NM_000834.5(GRIN2B):c.289dup (p.Val97fs)

Gene: GRIN2B (glutamate ionotropic receptor NMDA type subunit 2B; minus strand). Cytogenetic location: 12p13.1.
Variant type: Duplication.
Coding change: c.289dup on transcript NM_000834.5 (MANE Select); coding-DNA position 289, one base duplicated (G; older notation c.289dupG).
Protein change: p.Val97fs; shifts the reading frame from valine 97.
Molecular consequence: frameshift variant.
Genome position (GRCh38, 1-based): chr12:13,865,920, C duplicated on the plus strand (G on the coding strand, the reverse complement: GRIN2B is on the minus strand); the first of 5 consecutive C bases (chr12:13,865,920-13,865,924); duplicating any one gives the same sequence. VCF-style (leftmost placement, unchanged base first): chr12-13865919-A-AC. GRCh37 (hg19) VCF-style: chr12-14018853-A-AC.
Other names: c.289dup, p.Val97fs (NM_001413992.1, NM_001413993.1, NM_001413994.1 and 1 more transcripts); short protein forms V97fs.
Identifiers: ClinVar variation 5043477 (VCV005043477.1).

ClinVar aggregate classification (germline): Likely pathogenic (1 of 4 stars; one submission).

Conditions:
Intellectual developmental disorder, autosomal dominant 6, with or without seizures. Also called: Intellectual disability, autosomal dominant 6; GRIN2B-related developmental delay, intellectual disability and autism spectrum disorder. Identifiers: Orphanet 589547, MedGen C3151411, MONDO:0013509, OMIM 613970.

Submission:

MVZ Martinsried, Medicover Genetics
Classification: Likely pathogenic for Intellectual developmental disorder, autosomal dominant 6, with or without seizures. Last evaluated: 2026-09-08. Review status: criteria provided, single submitter. Criteria: ClinGen Variant Curation SOP V3.2 + Classification Guidance July2025. Collection method: clinical testing. Allele origin: unknown. Affected: yes. Observed: 1 heterozygote.
Comment: PVS1, PM2_Supporting